The following is an entry in ClinVar:

ClinVar aggregate classification (germline): Pathogenic (1 of 4 stars; one submission).

Conditions:
Polycystic kidney disease, adult type (PKD1). Also called: Polycystic Kidney Disease 1, Autosomal Dominant; Polycystic kidney disease 1; Polycystic kidney disease 1, severe; POLYCYSTIC KIDNEY DISEASE, ADULT, TYPE I; Polycystic Kidney, Autosomal Dominant; POLYCYSTIC KIDNEY DISEASE 1 WITH OR WITHOUT POLYCYSTIC LIVER DISEASE. Identifiers: MedGen C3149841, MONDO:0008263, OMIM 173900.

Submission:

Juno Genomics, Hangzhou Juno Genomics, Inc
Classification: Pathogenic for Polycystic kidney disease, adult type. Review status: criteria provided, single submitter. Criteria: ACMG Guidelines, 2015. Collection method: clinical testing. Allele origin: germline. Affected: yes.
Comment: Absent from controls (or at extremely low frequency if recessive) in Genome Aggregation Database, Exome Sequencing Project, 1000 Genomes Project, or Exome Aggregation Consortium.;Null variant in a gene where loss of function (LOF) is a known mechanism of disease.;Patient's phenotype or family history is highly specific for a disease with a single genetic etiology.

NM_001009944.3(PKD1):c.1251del (p.His418fs)

Gene: PKD1 (polycystin 1, transient receptor potential channel interacting; minus strand). Cytogenetic location: 16p13.3.
Variant type: Deletion.
Coding change: c.1251del on transcript NM_001009944.3 (MANE Select); coding-DNA position 1251, one base deleted (G; older notation c.1251delG).
Protein change: p.His418fs; shifts the reading frame from histidine 418.
Molecular consequence: frameshift variant.
Genome position (GRCh38, 1-based): chr16:2,117,623, C deleted on the plus strand (G on the coding strand, the reverse complement: PKD1 is on the minus strand); the first of 3 consecutive C bases (chr16:2,117,623-2,117,625); deleting any one gives the same sequence. VCF-style (leftmost placement, unchanged base first): chr16-2117622-GC-G. GRCh37 (hg19) VCF-style: chr16-2167623-GC-G.
Other names: c.1251del, p.His418fs (NM_000296.4); short protein forms H418fs.
Identifiers: ClinVar variation 3764707 (VCV003764707.2).